The following is an entry in ClinVar:

ClinVar aggregate classification (germline): Uncertain significance (1 of 4 stars; one submission).

Conditions:
Congenital contractures of the limbs and face, hypotonia, and developmental delay (CLIFAHDD). Identifiers: Orphanet 562528, MedGen C4225398, MONDO:0014556, OMIM 616266.

Submission:

Baylor Genetics
Classification: Uncertain significance for Congenital contractures of the limbs and face, hypotonia, and developmental delay. Last evaluated: 2020-06-03. Review status: criteria provided, single submitter. Criteria: ACMG Guidelines, 2015. Collection method: clinical testing. Allele origin: unknown. Affected: yes.
Comment: This variant was determined to be of uncertain significance according to ACMG Guidelines, 2015 [PMID:25741868].

NM_052867.4(NALCN):c.257T>A (p.Met86Lys)

Gene: NALCN (sodium leak channel, non-selective; minus strand). Cytogenetic location: 13q33.1.
Variant type: single nucleotide variant.
Coding change: c.257T>A on transcript NM_052867.4 (MANE Select); coding-DNA position 257, T replaced by A.
Protein change: p.Met86Lys; replaces methionine 86 with lysine.
Molecular consequence: missense variant.
Genome position (GRCh38, 1-based): chr13:101,395,217, A>T on the plus strand (T>A on the coding strand, the complement: NALCN is on the minus strand). VCF-style: chr13-101395217-A-T. GRCh37 (hg19) VCF-style: chr13-102047568-A-T.
Other names: c.257T>A, p.Met86Lys (NM_001350748.2, NM_001350749.2, NM_001350750.2 and 1 more transcripts); short protein forms M86K.
Identifiers: ClinVar variation 1029043 (VCV001029043.1), dbSNP rs999891200, ClinGen allele CA388706845.
Genomic context (GRCh38, chr13:101,395,217, plus strand): 5'-AGTTTAAATGACATGGAAGTGCTCACCTTGACAATGCCCCGGATGTGCATTTTTGCTATC[A>T]TCTCTGCCGTGTAGAGAAACATCAATAATGTATCCAAAGTGAAGGTCACATACTGAAGTG-3'
Protein context (NP_443099.1, residues 76-96): TLLMFLYTAE[Met86Lys]IAKMHIRGIV